The following is an entry in ClinVar:

ClinVar aggregate classification (germline): Likely benign (0 of 4 stars; one submission).

Conditions:
KSR2-related disorder. Also called: KSR2-related condition.

gnomAD v4.1: 128 of 1,608,216 alleles (0.008%); highest among the groups gnomAD compares: Non-Finnish European, 0.0099%; no homozygotes.

Submission:

PreventionGenetics, part of Exact Sciences
Classification: Likely benign for KSR2-related condition. Last evaluated: 2020-03-17. Review status: no assertion criteria provided. Collection method: clinical testing. Allele origin: germline.
Comment: This variant is classified as likely benign based on ACMG/AMP sequence variant interpretation guidelines (Richards et al. 2015 PMID: 25741868, with internal and published modifications).

NM_173598.6(KSR2):c.600G>A (p.Arg200=)

Gene: KSR2 (kinase suppressor of ras 2; minus strand). Cytogenetic location: 12q24.23.
Variant type: single nucleotide variant.
Coding change: c.600G>A on transcript NM_173598.6 (MANE Select); coding-DNA position 600, G replaced by A.
Protein change: p.Arg200=; no amino-acid change (arginine 200 retained).
Molecular consequence: synonymous variant.
Genome position (GRCh38, 1-based): chr12:117,761,397, C>T on the plus strand (G>A on the coding strand, the complement: KSR2 is on the minus strand). VCF-style: chr12-117761397-C-T. GRCh37 (hg19) VCF-style: chr12-118199202-C-T.
Identifiers: ClinVar variation 3352597 (VCV003352597.1).